The following is an entry in ClinVar:

NM_024675.4(PALB2):c.557A>C (p.Asn186Thr)

Gene: PALB2 (partner and localizer of BRCA2; minus strand). Cytogenetic location: 16p12.2.
Variant type: single nucleotide variant.
Coding change: c.557A>C on transcript NM_024675.4 (MANE Select); coding-DNA position 557, A replaced by C.
Protein change: p.Asn186Thr; replaces asparagine 186 with threonine.
Molecular consequence: missense variant.
Genome position (GRCh38, 1-based): chr16:23,635,989, T>G on the plus strand (A>C on the coding strand, the complement: PALB2 is on the minus strand). VCF-style: chr16-23635989-T-G. GRCh37 (hg19) VCF-style: chr16-23647310-T-G.
Other names: c.557A>C (NM_024675.3); short protein forms N186T.
Identifiers: ClinVar variation 1034786 (VCV001034786.10), dbSNP rs587782164, ClinGen allele CA395136838.

ClinVar aggregate classification (germline): Conflicting classifications of pathogenicity. Review status: criteria provided, conflicting classifications (1 of 4 stars). 2 submissions from 2 submitters: Uncertain significance (1); Likely benign (1). Last evaluated 2026-07-06.

Conditions:
Familial cancer of breast. Also called: Hereditary breast cancer; hereditary breast carcinoma; BREAST CANCER, FAMILIAL. Identifiers: Orphanet 227535, MedGen C0346153, MONDO:0016419, OMIM 114480. Disease mechanism: loss of function.
Hereditary cancer-predisposing syndrome. Also called: Tumor predisposition; Hereditary Cancer Syndrome; Hereditary neoplastic syndrome; Neoplastic Syndromes, Hereditary. Identifiers: Orphanet 140162, MedGen C0027672, MeSH D009386, MONDO:0015356.

Submissions (2):

Ambry Genetics
Classification: Likely benign for Hereditary cancer-predisposing syndrome. Last evaluated: 2026-07-06. Review status: criteria provided, single submitter. Criteria: Ambry Variant Classification Scheme 2023. Collection method: clinical testing. Allele origin: germline.

Labcorp Genetics (formerly Invitae), Labcorp
Classification: Uncertain significance for Familial cancer of breast. Last evaluated: 2020-04-29. Review status: criteria provided, single submitter. Criteria: Invitae Variant Classification Sherloc (09022015). Collection method: clinical testing. Allele origin: germline.
Comment: In summary, the available evidence is currently insufficient to determine the role of this variant in disease. Therefore, it has been classified as a Variant of Uncertain Significance. Algorithms developed to predict the effect of missense changes on protein structure and function output the following: SIFT: "Tolerated"; PolyPhen-2: "Possibly Damaging"; Align-GVGD: "Class C0". The threonine amino acid residue is found in multiple mammalian species, suggesting that this missense change does not adversely affect protein function. These predictions have not been confirmed by published functional studies and their clinical significance is uncertain. This variant has not been reported in the literature in individuals with PALB2-related conditions. This variant is not present in population databases (ExAC no frequency). This sequence change replaces asparagine with threonine at codon 186 of the PALB2 protein (p.Asn186Thr). The asparagine residue is moderately conserved and there is a small physicochemical difference between asparagine and threonine.